The following is an entry in ClinVar:

ClinVar aggregate classification (germline): Uncertain significance. Review status: criteria provided, multiple submitters, no conflicts (2 of 4 stars). 2 submissions from 2 submitters: Uncertain significance (2). Last evaluated 2026-08-06.

Conditions:
Familial hemophagocytic lymphohistiocytosis 3 (FHL3). Also called: UNC13D-Related Familial Hemophagocytic Lymphohistiocytosis (UNC13D-fHLH). Identifiers: Orphanet 540, MedGen C1837174, MONDO:0012146, OMIM 608898.

Allele frequency attached by ClinVar (database versions not stated): gnomAD exomes 0.00001.
gnomAD v4.1: 3 of 1,584,652 alleles (0.00019%); highest among the groups gnomAD compares: Admixed American, 0.0036%; no homozygotes.

Submissions (2):

OLLIN Analises Genomicas, OLLIN
Classification: Uncertain significance. Last evaluated: 2026-08-06. Review status: criteria provided, single submitter. Criteria: ACMG Guidelines 2015 PMID 25741868. Collection method: clinical testing. Allele origin: germline.
Comment: This missense variant, located in exon 32 (of 32), has been reported in ClinVar (accession VCV002069763.1) and in gnomAD with an allele frequency of 0.00019%. However, to our knowledge, it has not been reported in the scientific literature. In silico analysis is inconclusive regarding the impact of this variant. According to the currently available evidence, this variant has been classified as uncertain significance (PM2_P).

Labcorp Genetics (formerly Invitae), Labcorp
Classification: Uncertain significance for Familial hemophagocytic lymphohistiocytosis 3. Last evaluated: 2022-06-22. Review status: criteria provided, single submitter. Criteria: Invitae Variant Classification Sherloc (09022015). Collection method: clinical testing. Allele origin: germline.
Comment: This sequence change replaces glutamine, which is neutral and polar, with histidine, which is basic and polar, at codon 1068 of the UNC13D protein (p.Gln1068His). This variant is not present in population databases (gnomAD no frequency). This variant has not been reported in the literature in individuals affected with UNC13D-related conditions. Algorithms developed to predict the effect of missense changes on protein structure and function are either unavailable or do not agree on the potential impact of this missense change (SIFT: "Not Available"; PolyPhen-2: "Probably Damaging"; Align-GVGD: "Not Available"). In summary, the available evidence is currently insufficient to determine the role of this variant in disease. Therefore, it has been classified as a Variant of Uncertain Significance.

NM_199242.3(UNC13D):c.3204G>C (p.Gln1068His)

Gene: UNC13D (unc-13 homolog D; minus strand). Cytogenetic location: 17q25.1.
Variant type: single nucleotide variant.
Coding change: c.3204G>C on transcript NM_199242.3 (MANE Select); coding-DNA position 3204, G replaced by C.
Protein change: p.Gln1068His; replaces glutamine 1068 with histidine.
Molecular consequence: missense variant.
Genome position (GRCh38, 1-based): chr17:75,828,034, C>G on the plus strand (G>C on the coding strand, the complement: UNC13D is on the minus strand). VCF-style: chr17-75828034-C-G. GRCh37 (hg19) VCF-style: chr17-73824115-C-G.
Other names: short protein forms Q1068H.
Identifiers: ClinVar variation 2069763 (VCV002069763.2), dbSNP rs1342086401, ClinGen allele CA401073725.